The following is an entry in ClinVar:

ClinVar aggregate classification (germline): Pathogenic (1 of 4 stars; one submission).

Conditions:
Primary immunodeficiency or monogenic inflammatory bowel disease.

Submission:

North West Genomic Laboratory Hub, Manchester University NHS Foundation Trust
Classification: Pathogenic for Primary immunodeficiency or monogenic inflammatory bowel disease. Last evaluated: 2025-06-09. Review status: criteria provided, single submitter. Criteria: ACGS Best Practice Guidelines for Variant Classification in Rare Disease 2024. Collection method: clinical testing. Allele origin: germline. Affected: yes.
Comment: PVS1_VStr PM2_Mod

NM_001270508.2(TNFAIP3):c.1880_1881del (p.Cys627fs)

Gene: TNFAIP3 (TNF alpha induced protein 3; plus strand). Cytogenetic location: 6q23.3.
Variant type: Microsatellite.
Coding change: c.1880_1881del on transcript NM_001270508.2 (MANE Select); coding-DNA positions 1880 to 1881, 2 bases deleted (GT; older notation c.1880_1881delGT).
Protein change: p.Cys627fs; shifts the reading frame from cysteine 627.
Molecular consequence: frameshift variant.
Genome position (GRCh38, 1-based): chr6:137,879,325-137,879,326, GT deleted; deleting any 2 consecutive bases within chr6:137,879,322-137,879,326 gives the same sequence; the c. name uses the placement nearest the transcript's 3' end. VCF-style (leftmost placement, unchanged base first): chr6-137879321-CTG-C. GRCh37 (hg19) VCF-style: chr6-138200458-CTG-C.
Other names: c.1880_1881del, p.Cys627fs (NM_001270507.2, NM_006290.4); short protein forms C627fs.
Identifiers: ClinVar variation 5010330 (VCV005010330.1).